The following is an entry in ClinVar:

NM_005138.3(SCO2):c.214G>A (p.Gly72Ser)

Genes: NCAPH2 (non-SMC condensin II complex subunit H2; plus strand), SCO2 (synthesis of cytochrome C oxidase 2; minus strand). Cytogenetic location: 22q13.33.
Variant type: single nucleotide variant.
Coding change: c.214G>A on transcript NM_005138.3 (MANE Select); coding-DNA position 214, G replaced by A.
Protein change: p.Gly72Ser; replaces glycine 72 with serine.
Molecular consequence: missense variant. On other transcripts: 3 prime UTR variant (2).
Genome position (GRCh38, 1-based): chr22:50,524,198, C>T on the plus strand (G>A on the coding strand, the complement: SCO2 is on the minus strand). VCF-style: chr22-50524198-C-T. GRCh37 (hg19) VCF-style: chr22-50962627-C-T.
Other names: c.*823C>T (NM_001185011.2, NM_152299.4); c.214G>A, p.Gly72Ser (NM_001169109.2, NM_001169110.1, NM_001169111.2); c.214G>A (NM_005138.2); short protein forms G72S.
Identifiers: ClinVar variation 2198080 (VCV002198080.3), dbSNP rs771629047, ClinGen allele CA10321266.

ClinVar aggregate classification (germline): Uncertain significance. Review status: criteria provided, multiple submitters, no conflicts (2 of 4 stars). 2 submissions from 2 submitters: Uncertain significance (2). Last evaluated 2025-01-26.

Conditions:
Inborn genetic diseases. Identifiers: MedGen C0950123, MeSH D030342.

Allele frequency attached by ClinVar (database versions not stated): ExAC 0.00001.
gnomAD v4.1: 35 of 1,608,628 alleles (0.0022%); highest among the groups gnomAD compares: East Asian, 0.011%; no homozygotes.

Submissions (2):

Ambry Genetics
Classification: Uncertain significance for Inborn genetic diseases. Last evaluated: 2025-01-26. Review status: criteria provided, single submitter. Criteria: Ambry Variant Classification Scheme 2023. Collection method: clinical testing. Allele origin: germline.

Labcorp Genetics (formerly Invitae), Labcorp
Classification: Uncertain significance. Last evaluated: 2024-11-05. Review status: criteria provided, single submitter. Criteria: Invitae Variant Classification Sherloc (09022015). Collection method: clinical testing. Allele origin: germline.
Comment: This sequence change replaces glycine, which is neutral and non-polar, with serine, which is neutral and polar, at codon 72 of the SCO2 protein (p.Gly72Ser). This variant is present in population databases (rs771629047, gnomAD 0.03%). This variant has not been reported in the literature in individuals affected with SCO2-related conditions. ClinVar contains an entry for this variant (Variation ID: 2198080). Invitae Evidence Modeling of protein sequence and biophysical properties (such as structural, functional, and spatial information, amino acid conservation, physicochemical variation, residue mobility, and thermodynamic stability) indicates that this missense variant is not expected to disrupt SCO2 protein function with a negative predictive value of 80%. In summary, the available evidence is currently insufficient to determine the role of this variant in disease. Therefore, it has been classified as a Variant of Uncertain Significance.